The following is an entry in ClinVar:

ClinVar aggregate classification (germline): Uncertain significance (1 of 4 stars; one submission).

Conditions:
Hereditary peripheral neuropathy. Also called: Genetic peripheral neuropathy. Identifiers: Orphanet 98497, MedGen C5681733, MONDO:0020127.

Submission:

Victorian Clinical Genetics Services, Murdoch Childrens Research Institute
Classification: Uncertain significance for Hereditary peripheral neuropathy. Last evaluated: 2024-12-18. Review status: criteria provided, single submitter. Criteria: ACMG Guidelines, 2015. Collection method: clinical testing. Allele origin: germline. Affected: yes.
Comment: This variant is classified as VUS-3A. Evidence in support of pathogenic classification: Variant is absent from gnomAD (v2, v3 and v4); Missense variant predicted to be damaging by in silico tool(s) or highly conserved with a major amino acid change; Additional information: Variant is predicted to result in a missense amino acid change from glycine to arginine; This variant is heterozygous; This gene is associated with both recessive and dominant disease. Autosomal recessive inheritance is associated with neurodevelopmental disorder with microcephaly, ataxia, and seizures (MIM#617709), while autosomal dominant inheritance is associated with hereditary peripheral neuropathy (MONDO:0020127), SARS1-related; Alternative amino acid change(s) at the same position are present in gnomAD (Highest alelle count: v4: 1 heterozygote(s), 0 homozygote(s)) ; This variant has no previous evidence of pathogenicity; No published segregation evidence has been identified for this variant; No published functional evidence has been identified for this variant; No comparable missense variants have previous evidence for pathogenicity; Variant is located in the annotated tRNA synthetase class II core domain (G, H, P, S and T) domain (DECIPHER); Dominant negative and loss of function are known mechanisms of disease in this gene and are associated with hereditary peripheral neuropathy (MONDO:0020127), SARS1-related and neurodevelopmental disorder with microcephaly, ataxia, and seizures (MIM#617709), respectively.

NM_006513.4(SARS1):c.1231G>A (p.Gly411Arg)

Gene: SARS1 (seryl-tRNA synthetase 1; plus strand). Cytogenetic location: 1p13.3.
Variant type: single nucleotide variant.
Coding change: c.1231G>A on transcript NM_006513.4 (MANE Select); coding-DNA position 1231, G replaced by A.
Protein change: p.Gly411Arg; replaces glycine 411 with arginine.
Molecular consequence: missense variant.
Genome position (GRCh38, 1-based): chr1:109,236,522, G>A. VCF-style: chr1-109236522-G-A. GRCh37 (hg19) VCF-style: chr1-109779144-G-A.
Other names: c.1231G>A, p.Gly411Arg (NM_001330669.1); short protein forms G411R.
Identifiers: ClinVar variation 4531652 (VCV004531652.1).